The following is an entry in ClinVar:

NM_000059.4(BRCA2):c.8488-3C>G

Gene: BRCA2 (BRCA2 DNA repair associated; plus strand). Cytogenetic location: 13q13.1.
Variant type: single nucleotide variant.
Coding change: c.8488-3C>G on transcript NM_000059.4 (MANE Select); 3 bases into the intron before coding-DNA position 8488, C replaced by G.
Molecular consequence: intron variant.
Genome position (GRCh38, 1-based): chr13:32,370,953, C>G. VCF-style: chr13-32370953-C-G. GRCh37 (hg19) VCF-style: chr13-32945090-C-G.
Identifiers: ClinVar variation 843212 (VCV000843212.10), dbSNP rs1566249158, ClinGen allele CA916080521.

ClinVar aggregate classification (germline): Uncertain significance (1 of 4 stars; one submission).

Conditions:
Hereditary breast ovarian cancer syndrome. Also called: Breast and ovarian cancer; Hereditary breast and ovarian cancer syndrome; Hereditary breast and ovarian cancer syndrome (HBOC); BRCA1- and BRCA2-Associated Hereditary Breast and Ovarian Cancer; Hereditary breast and ovarian cancer; Hereditary breast and/or ovarian cancer syndrome. Identifiers: Orphanet 145, MedGen C0677776, MeSH D061325, MONDO:0003582. Disease mechanism: loss of function.

Submission:

Labcorp Genetics (formerly Invitae), Labcorp
Classification: Uncertain significance for Hereditary breast ovarian cancer syndrome. Last evaluated: 2019-03-25. Review status: criteria provided, single submitter. Criteria: Invitae Variant Classification Sherloc (09022015). Collection method: clinical testing. Allele origin: germline.
Comment: This sequence change falls in intron 19 of the BRCA2 gene. It does not directly change the encoded amino acid sequence of the BRCA2 protein, but it affects a nucleotide within the consensus splice site of the intron. This variant is not present in population databases (ExAC no frequency). This variant has not been reported in the literature in individuals with BRCA2-related conditions. Nucleotide substitutions within the consensus splice site are a relatively common cause of aberrant splicing (PMID: 17576681, 9536098). Algorithms developed to predict the effect of sequence changes on RNA splicing suggest that this variant may disrupt the consensus splice site, but this prediction has not been confirmed by published transcriptional studies. In summary, the available evidence is currently insufficient to determine the role of this variant in disease. Therefore, it has been classified as a Variant of Uncertain Significance.

Literature cited by the submitters: PubMed 17576681; PubMed 9536098.